The following is an entry in ClinVar:

NM_001211.6(BUB1B):c.2099G>C (p.Cys700Ser)

Gene: BUB1B (BUB1 mitotic checkpoint serine/threonine kinase B; plus strand). Cytogenetic location: 15q15.1.
Variant type: single nucleotide variant.
Coding change: c.2099G>C on transcript NM_001211.6 (MANE Select); coding-DNA position 2099, G replaced by C.
Protein change: p.Cys700Ser; replaces cysteine 700 with serine.
Molecular consequence: missense variant.
Genome position (GRCh38, 1-based): chr15:40,208,726, G>C. VCF-style: chr15-40208726-G-C. GRCh37 (hg19) VCF-style: chr15-40500927-G-C.
Other names: short protein forms C700S.
Identifiers: ClinVar variation 4216954 (VCV004216954.1).

ClinVar aggregate classification (germline): Uncertain significance (1 of 4 stars; one submission).

Conditions:
Inborn genetic diseases. Identifiers: MedGen C0950123, MeSH D030342.

Submission:

Ambry Genetics
Classification: Uncertain significance for Inborn genetic diseases. Last evaluated: 2025-08-01. Review status: criteria provided, single submitter. Criteria: Ambry Variant Classification Scheme 2023. Collection method: clinical testing. Allele origin: germline.
Comment: The p.C700S variant (also known as c.2099G>C), located in coding exon 16 of the BUB1B gene, results from a G to C substitution at nucleotide position 2099. The cysteine at codon 700 is replaced by serine, an amino acid with dissimilar properties. This amino acid position is conserved. In addition, this alteration is predicted to be tolerated by in silico analysis. Based on the available evidence, the clinical significance of this variant remains unclear.